The following is an entry in ClinVar:

ClinVar aggregate classification (germline): Uncertain significance (1 of 4 stars; one submission).

Allele frequency attached by ClinVar (database versions not stated): TOPMed 0.00001; gnomAD 0.00001.
gnomAD v4.1: 20 of 1,530,610 alleles (0.0013%); highest among the groups gnomAD compares: East Asian, 0.0023%; no homozygotes.

Submission:

Labcorp Genetics (formerly Invitae), Labcorp
Classification: Uncertain significance. Last evaluated: 2025-12-06. Review status: criteria provided, single submitter. Criteria: Invitae Variant Classification Sherloc (09022015). Collection method: clinical testing. Allele origin: germline.
Comment: This variant occurs in a non-coding region of the ANKRD26 gene. It does not change the encoded amino acid sequence of the ANKRD26 protein. This variant is not present in population databases (gnomAD no frequency). This variant has not been reported in the literature in individuals affected with ANKRD26-related conditions. ClinVar contains an entry for this variant (Variation ID: 2958461). In summary, the available evidence is currently insufficient to determine the role of this variant in disease. Therefore, it has been classified as a Variant of Uncertain Significance.

NM_014915.3(ANKRD26):c.-101G>A

Gene: ANKRD26 (ankyrin repeat domain 26; minus strand). Cytogenetic location: 10p12.1.
Variant type: single nucleotide variant.
Coding change: c.-101G>A on transcript NM_014915.3 (MANE Select); 101 bases upstream of the start codon, G replaced by A.
Molecular consequence: 5 prime UTR variant.
Genome position (GRCh38, 1-based): chr10:27,100,427, C>T on the plus strand (G>A on the coding strand, the complement: ANKRD26 is on the minus strand). VCF-style: chr10-27100427-C-T. GRCh37 (hg19) VCF-style: chr10-27389356-C-T.
Other names: c.-101G>A (NM_001256053.2).
Identifiers: ClinVar variation 2958461 (VCV002958461.3), dbSNP rs990200463, ClinGen allele CA204453811.
Genomic context (GRCh38, chr10:27,100,427, plus strand): 5'-TCGGCTCTTAACGGCCTCCGGAGCCCAACATAACAAGTCAGCCCCGGCTGGCCGCAGCCT[C>T]CCAAAGGAAACTCCGCGGTTTCCAATCTCTCCCTCCGGGTTACCAAGCAAGCGATCCCGC-3'